The following is an entry in ClinVar:

NM_177438.3(DICER1):c.4221G>T (p.Met1407Ile)

Gene: DICER1 (dicer 1, ribonuclease III; minus strand). Cytogenetic location: 14q32.13.
Variant type: single nucleotide variant.
Coding change: c.4221G>T on transcript NM_177438.3 (MANE Select); coding-DNA position 4221, G replaced by T.
Protein change: p.Met1407Ile; replaces methionine 1407 with isoleucine.
Molecular consequence: missense variant.
Genome position (GRCh38, 1-based): chr14:95,096,699, C>A on the plus strand (G>T on the coding strand, the complement: DICER1 is on the minus strand). VCF-style: chr14-95096699-C-A. GRCh37 (hg19) VCF-style: chr14-95563036-C-A.
Other names: c.4221G>T, p.Met1407Ile (NM_001195573.1, NM_001271282.3, NM_001291628.2 and 1 more transcripts); short protein forms M1407I.
Identifiers: ClinVar variation 412047 (VCV000412047.17), dbSNP rs1060503589, ClinGen allele CA16614183.

ClinVar aggregate classification (germline): Uncertain significance. Review status: criteria provided, multiple submitters, no conflicts (2 of 4 stars). 3 submissions from 3 submitters: Uncertain significance (3). Last evaluated 2025-12-21.

Conditions:
DICER1-related tumor predisposition. Also called: DICER1-related pleuropulmonary blastoma cancer predisposition syndrome; DICER1 syndrome. Identifiers: Orphanet 284343, MedGen C3839822, MONDO:0100216.
Global developmental delay - lung cysts - overgrowth - Wilms tumor syndrome. Also called: GLOW Syndrome; GLOBAL DEVELOPMENTAL DELAY, LUNG CYSTS, OVERGROWTH, AND WILMS TUMOR. Identifiers: Orphanet 404476, MedGen C4748924, MONDO:0018445, OMIM 618272.
Hereditary cancer-predisposing syndrome. Also called: Hereditary neoplastic syndrome; Neoplastic Syndromes, Hereditary; Tumor predisposition; Hereditary Cancer Syndrome. Identifiers: Orphanet 140162, MedGen C0027672, MeSH D009386, MONDO:0015356.

Submissions (3):

Labcorp Genetics (formerly Invitae), Labcorp
Classification: Uncertain significance for DICER1-related tumor predisposition. Last evaluated: 2025-12-21. Review status: criteria provided, single submitter. Criteria: Invitae Variant Classification Sherloc (09022015). Collection method: clinical testing. Allele origin: germline.
Comment: This sequence change replaces methionine, which is neutral and non-polar, with isoleucine, which is neutral and non-polar, at codon 1407 of the DICER1 protein (p.Met1407Ile). This variant is not present in population databases (gnomAD no frequency). This variant has not been reported in the literature in individuals affected with DICER1-related conditions. ClinVar contains an entry for this variant (Variation ID: 412047). Invitae Evidence Modeling of protein sequence and biophysical properties (such as structural, functional, and spatial information, amino acid conservation, physicochemical variation, residue mobility, and thermodynamic stability) indicates that this missense variant is not expected to disrupt DICER1 protein function with a negative predictive value of 95%. In summary, the available evidence is currently insufficient to determine the role of this variant in disease. Therefore, it has been classified as a Variant of Uncertain Significance.

Ambry Genetics
Classification: Uncertain significance for Hereditary cancer-predisposing syndrome. Last evaluated: 2024-03-20. Review status: criteria provided, single submitter. Criteria: Ambry Variant Classification Scheme 2023. Collection method: clinical testing. Allele origin: germline.
Comment: The p.M1407I variant (also known as c.4221G>T), located in coding exon 22 of the DICER1 gene, results from a G to T substitution at nucleotide position 4221. The methionine at codon 1407 is replaced by isoleucine, an amino acid with highly similar properties. This amino acid position is poorly conserved in available vertebrate species. In addition, this alteration is predicted to be tolerated by in silico analysis. Based on the available evidence, the clinical significance of this alteration remains unclear.

Baylor Genetics
Classification: Uncertain significance for Global developmental delay - lung cysts - overgrowth - Wilms tumor syndrome. Last evaluated: 2023-06-05. Review status: criteria provided, single submitter. Criteria: ACMG Guidelines, 2015. Collection method: clinical testing. Allele origin: unknown.